The following is an entry in ClinVar:

ClinVar aggregate classification (germline): Likely benign. Review status: criteria provided, single submitter (1 of 4 stars). 2 submissions from 2 submitters: Likely benign (1). 1 of the submissions does not count toward it. Last evaluated 2022-04-22.

Conditions:
KIF1A-related disorder. Also called: KIF1A-related disorders; KIF1A-related condition.

Allele frequency attached by ClinVar (database versions not stated): gnomAD exomes 0.00007; ExAC 0.00021; 1000 Genomes Project 30x 0.00031; 1000 Genomes Project 0.00040; ESP Exome Variant Server 0.00040; gnomAD 0.00067; TOPMed 0.00071.
gnomAD v4.1: 208 of 1,612,818 alleles (0.013%); highest among the groups gnomAD compares: African/African-American, 0.21%; no homozygotes.

Submissions (2):

ARUP Laboratories, Molecular Genetics and Genomics, ARUP Laboratories
Classification: Likely benign. Last evaluated: 2022-04-22. Review status: criteria provided, single submitter. Criteria: ARUP Molecular Germline Variant Investigation Process 2021. Collection method: clinical testing. Allele origin: germline.

PreventionGenetics, part of Exact Sciences
Classification: Likely benign for KIF1A-related condition. Last evaluated: 2024-08-06. Review status: no assertion criteria provided. Collection method: clinical testing. Allele origin: germline. Not counted in ClinVar's aggregate classification.
Comment: This variant is classified as likely benign based on ACMG/AMP sequence variant interpretation guidelines (Richards et al. 2015 PMID: 25741868, with internal and published modifications).

NM_001244008.2(KIF1A):c.1208-43C>T

Gene: KIF1A (kinesin family member 1A; minus strand). Cytogenetic location: 2q37.3.
Variant type: single nucleotide variant.
Coding change: c.1208-43C>T on transcript NM_001244008.2 (MANE Select); 43 bases into the intron before coding-DNA position 1208, C replaced by T.
Molecular consequence: intron variant. On other transcripts: missense variant (7).
Genome position (GRCh38, 1-based): chr2:240,771,147, G>A on the plus strand (C>T on the coding strand, the complement: KIF1A is on the minus strand). VCF-style: chr2-240771147-G-A. GRCh37 (hg19) VCF-style: chr2-241710564-G-A.
Other names: c.1240C>T, p.Arg414Cys (NM_001330290.2, NM_001379631.1, NM_001379634.1 and 2 more transcripts); c.1213C>T, p.Arg405Cys (NM_001379637.1, NM_001379648.1); c.1181-43C>T (NM_001379653.1, NM_001379650.1, NM_001379645.1 and 10 more transcripts); c.1208-43C>T (NM_001320705.2, NM_001379638.1, NM_001330289.2); c.1240C>T (NM_001330290.1); short protein forms R405C, R414C.
Identifiers: ClinVar variation 2428665 (VCV002428665.4), dbSNP rs193201064, ClinGen allele CA2208487.
Genomic context (GRCh38, chr2:240,771,147, plus strand): 5'-CCACCAGGGCATTGGTCACTGTGGAGAGAGGGTCAGGGGCTTCATTCACCGTCCCGCCAC[G>A]GTTAAGGTTATTGTTCTCAAGGTCGGACACGTCTATGGGGAGGAGGGGTAGGGCGGGCAG-3'